The following is an entry in ClinVar:

ClinVar aggregate classification (germline): Benign (1 of 4 stars; one submission).

Conditions:
Autosomal dominant nocturnal frontal lobe epilepsy 4. Also called: EPILEPSY, FAMILIAL, WITH NOCTURNAL WANDERING AND ICTAL FEAR; CHRNA2-Related Nocturnal Frontal Lobe Epilepsy, Autosomal Dominant. Identifiers: Orphanet 98784, MedGen C1835905, MONDO:0012474, OMIM 610353.

Allele frequency attached by ClinVar (database versions not stated): TOPMed 0.00024; 1000 Genomes Project 0.00040; 1000 Genomes Project 30x 0.00047.

Submission:

Illumina Laboratory Services, Illumina
Classification: Benign for Autosomal dominant nocturnal frontal lobe epilepsy 4. Last evaluated: 2018-01-12. Review status: criteria provided, single submitter. Criteria: ICSL Variant Classification Criteria 13 December 2019. Collection method: clinical testing. Allele origin: germline.
Comment: This variant was observed in the ICSL laboratory as part of a predisposition screen in an ostensibly healthy population. It had not been previously curated by ICSL or reported in the Human Gene Mutation Database (HGMD: prior to June 1st, 2018), and was therefore a candidate for classification through an automated scoring system. Utilizing variant allele frequency, disease prevalence and penetrance estimates, and inheritance mode, an automated score was calculated to assess if this variant is too frequent to cause the disease. Based on the score and internal cut-off values, a variant classified as benign is not then subjected to further curation. The score for this variant resulted in a classification of benign for this disease.

NM_000742.4(CHRNA2):c.*1667G>A

Gene: CHRNA2 (cholinergic receptor nicotinic alpha 2 subunit; minus strand). Cytogenetic location: 8p21.2.
Variant type: single nucleotide variant.
Coding change: c.*1667G>A on transcript NM_000742.4 (MANE Select); 1667 bases downstream of the stop codon, G replaced by A.
Molecular consequence: 3 prime UTR variant.
Genome position (GRCh38, 1-based): chr8:27,459,962, C>T on the plus strand (G>A on the coding strand, the complement: CHRNA2 is on the minus strand). VCF-style: chr8-27459962-C-T. GRCh37 (hg19) VCF-style: chr8-27317479-C-T.
Other names: c.*1667G>A (NM_001282455.2, NM_001347705.2, NM_001347706.2 and 2 more transcripts).
Identifiers: ClinVar variation 910657 (VCV000910657.4), dbSNP rs577078556, ClinGen allele CA174235925.
Genomic context (GRCh38, chr8:27,459,962, plus strand): 5'-CAAGTGGGAGGAGAGGGGGCGCTGGGGGCTGCATGCACACGAGTAGACAGGAGCCAGAGA[C>T]CAGATGTGCCATGAGCAGGGGGGTTGTGGGAGAGAAGTGAGGCATGGCAGGGCCTGGGCC-3'